The following is an entry in ClinVar:

ClinVar aggregate classification (germline): Uncertain significance (1 of 4 stars; one submission).

Submission:

GeneDx
Classification: Uncertain significance. Last evaluated: 2025-10-28. Review status: criteria provided, single submitter. Criteria: GeneDx Variant Classification Process June 2021. Collection method: clinical testing. Allele origin: germline. Affected: yes.
Comment: Not observed at significant frequency in large population cohorts (gnomAD); Nonsense variant predicted to result in protein truncation or nonsense mediated decay in a gene or region of a gene for which loss of function is not a well-established mechanism of disease; Has not been previously published as pathogenic or benign to our knowledge

NM_001394062.1(MACF1):c.22048C>T (p.Arg7350Ter)

Gene: MACF1 (microtubule actin crosslinking factor 1; plus strand). Cytogenetic location: 1p34.3.
Variant type: single nucleotide variant.
Coding change: c.22048C>T on transcript NM_001394062.1 (MANE Select); coding-DNA position 22048, C replaced by T.
Protein change: p.Arg7350Ter; replaces arginine 7350 with a stop codon.
Molecular consequence: nonsense.
Genome position (GRCh38, 1-based): chr1:39,479,887, C>T. VCF-style: chr1-39479887-C-T. GRCh37 (hg19) VCF-style: chr1-39945559-C-T.
Other names: c.10039C>T, p.Arg3347Ter (NM_001397473.1); c.15784C>T, p.Arg5262Ter (NM_012090.5); short protein forms R3347*, R5262*, R7350*.
Identifiers: ClinVar variation 3383569 (VCV003383569.3).